The following is an entry in ClinVar:

ClinVar aggregate classification (germline): Uncertain significance (1 of 4 stars; one submission).

Conditions:
Progressive sclerosing poliodystrophy (MTDPS4A). Also called: Mitochondrial DNA depletion syndrome 4A (Alpers type); ALPERS PROGRESSIVE INFANTILE POLIODYSTROPHY; NEURONAL DEGENERATION OF CHILDHOOD WITH LIVER DISEASE, PROGRESSIVE; Alpers Syndrome; ALPERS DIFFUSE DEGENERATION OF CEREBRAL GRAY MATTER WITH HEPATIC CIRRHOSIS; Alpers-Huttenlocher Syndrome. Identifiers: Orphanet 726, MedGen C0205710, MONDO:0008758, OMIM 203700.

Submission:

Labcorp Genetics (formerly Invitae), Labcorp
Classification: Uncertain significance for Progressive sclerosing poliodystrophy. Last evaluated: 2026-01-14. Review status: criteria provided, single submitter. Criteria: Invitae Variant Classification Sherloc (09022015). Collection method: clinical testing. Allele origin: germline.
Comment: This sequence change replaces glycine, which is neutral and non-polar, with serine, which is neutral and polar, at codon 956 of the POLG protein (p.Gly956Ser). This variant is not present in population databases (gnomAD no frequency). This variant has not been reported in the literature in individuals affected with POLG-related conditions. ClinVar contains an entry for this variant (Variation ID: 2843561). Invitae Evidence Modeling of protein sequence and biophysical properties (such as structural, functional, and spatial information, amino acid conservation, physicochemical variation, residue mobility, and thermodynamic stability) indicates that this missense variant is expected to disrupt POLG protein function with a positive predictive value of 95%. In summary, the available evidence is currently insufficient to determine the role of this variant in disease. Therefore, it has been classified as a Variant of Uncertain Significance.

NM_002693.3(POLG):c.2866G>A (p.Gly956Ser)

Gene: POLG (DNA polymerase gamma, catalytic subunit; minus strand). Cytogenetic location: 15q26.1.
Variant type: single nucleotide variant.
Coding change: c.2866G>A on transcript NM_002693.3 (MANE Select); coding-DNA position 2866, G replaced by A.
Protein change: p.Gly956Ser; replaces glycine 956 with serine.
Molecular consequence: missense variant.
Genome position (GRCh38, 1-based): chr15:89,320,881, C>T on the plus strand (G>A on the coding strand, the complement: POLG is on the minus strand). VCF-style: chr15-89320881-C-T. GRCh37 (hg19) VCF-style: chr15-89864112-C-T.
Other names: c.2866G>A, p.Gly956Ser (NM_001126131.2); short protein forms G956S.
Identifiers: ClinVar variation 2843561 (VCV002843561.3), dbSNP rs1326102028, ClinGen allele CA393752690.
Genomic context (GRCh38, chr15:89,320,881, plus strand): 5'-GCTGTGTGAGCCGGTGGTTAAACTGCATTAGTAAGCGCTCAGCAAAGGGCTGCCCAGCAC[C>T]ATAGATGCGGCCGTAGTTGAAGATTTTGGCATGCTCACGGCTGATGCCCACAGTAGTGGC-3'
Protein context (NP_002684.1, residues 946-966): AKIFNYGRIY[Gly956Ser]AGQPFAERLL